The following is an entry in ClinVar:

ClinVar aggregate classification (germline): Uncertain significance (1 of 4 stars; one submission).

gnomAD v4.1: 8 of 1,613,902 alleles (0.0005%); highest among the groups gnomAD compares: South Asian, 0.0033%; no homozygotes.

Submission:

Labcorp Genetics (formerly Invitae), Labcorp
Classification: Uncertain significance. Last evaluated: 2026-01-08. Review status: criteria provided, single submitter. Criteria: Invitae Variant Classification Sherloc (09022015). Collection method: clinical testing. Allele origin: germline.
Comment: This sequence change replaces arginine, which is basic and polar, with glycine, which is neutral and non-polar, at codon 321 of the LEMD3 protein (p.Arg321Gly). This variant is present in population databases (no rsID available, gnomAD 0.003%). This variant has not been reported in the literature in individuals affected with LEMD3-related conditions. Invitae Evidence Modeling of protein sequence and biophysical properties (such as structural, functional, and spatial information, amino acid conservation, physicochemical variation, residue mobility, and thermodynamic stability) indicates that this missense variant is not expected to disrupt LEMD3 protein function with a negative predictive value of 80%. In summary, the available evidence is currently insufficient to determine the role of this variant in disease. Therefore, it has been classified as a Variant of Uncertain Significance.

NM_014319.5(LEMD3):c.961A>G (p.Arg321Gly)

Gene: LEMD3 (LEM domain containing 3; plus strand). Cytogenetic location: 12q14.3.
Variant type: single nucleotide variant.
Coding change: c.961A>G on transcript NM_014319.5 (MANE Select); coding-DNA position 961, A replaced by G.
Protein change: p.Arg321Gly; replaces arginine 321 with glycine.
Molecular consequence: missense variant.
Genome position (GRCh38, 1-based): chr12:65,170,557, A>G. VCF-style: chr12-65170557-A-G. GRCh37 (hg19) VCF-style: chr12-65564337-A-G.
Other names: c.961A>G, p.Arg321Gly (NM_001167614.2); short protein forms R321G.
Identifiers: ClinVar variation 4811080 (VCV004811080.1).
Genomic context (GRCh38, chr12:65,170,557, plus strand): 5'-TCGGCCGGCGGCAGGCTGGAGACTTCAGTTCAGGGAGGGGGAGGACTCGCGATGAATGAC[A>G]GGGCGGCGGCTGCCGGGAGTCTAGACAGGAGCCGAAACCTCGAAGAGGCGGCGGCCGCGG-3'
Protein context (NP_055134.2, residues 311-331): QGGGGLAMND[Arg321Gly]AAAAGSLDRS